The following is an entry in ClinVar:

ClinVar aggregate classification (germline): Benign/Likely benign. Review status: criteria provided, multiple submitters, no conflicts (2 of 4 stars). 5 submissions from 5 submitters: Benign (1); Likely benign (3). 1 of the submissions does not count toward it. Last evaluated 2022-11-01.

Conditions:
DNAH6-related disorder. Also called: DNAH6-related condition.

Allele frequency attached by ClinVar (database versions not stated): 1000 Genomes Project 0.00140; 1000 Genomes Project 30x 0.00156; gnomAD 0.00158 and 0.00159; TOPMed 0.00167; gnomAD exomes 0.00168 and 0.00256; ExAC 0.00189; ESP Exome Variant Server 0.00219.
gnomAD v4.1: 3,833 of 1,551,420 alleles (0.25%); highest among the groups gnomAD compares: Non-Finnish European, 0.29%; 10 homozygotes.

Submissions (5):

CeGaT Center for Human Genetics Tuebingen
Classification: Likely benign. Last evaluated: 2022-11-01. Review status: criteria provided, single submitter. Criteria: CeGaT Center For Human Genetics Tuebingen Variant Classification Criteria Version 2. Collection method: clinical testing. Allele origin: germline. Affected: yes. Observed: 3 variant alleles.
Comment: DNAH6: BP4, BP7

Labcorp Genetics (formerly Invitae), Labcorp
Classification: Benign. Last evaluated: 2018-12-24. Review status: criteria provided, single submitter. Criteria: Invitae Variant Classification Sherloc (09022015). Collection method: clinical testing. Allele origin: germline.

Laboratory for Molecular Medicine, Mass General Brigham Personalized Medicine
Classification: Likely benign. Last evaluated: 2016-03-28. Review status: criteria provided, single submitter. Criteria: LMM Criteria. Collection method: clinical testing. Allele origin: germline.
Comment: Variant identified in a genome or exome case(s) and assessed due to predicted null impact of the variant or pathogenic assertions in the literature or databases. Disclaimer: This variant has not undergone full assessment. The following are preliminary notes: Silent variant not in splice consensus

Breakthrough Genomics
Classification: Likely benign. Review status: criteria provided, single submitter. Criteria: ACMG Guidelines, 2015. Collection method: not provided. Allele origin: germline. Inheritance: Unknown mechanism. Affected: yes.

PreventionGenetics, part of Exact Sciences
Classification: Likely benign for DNAH6-related condition. Last evaluated: 2019-04-26. Review status: no assertion criteria provided. Collection method: clinical testing. Allele origin: germline. Not counted in ClinVar's aggregate classification.
Comment: This variant is classified as likely benign based on ACMG/AMP sequence variant interpretation guidelines (Richards et al. 2015 PMID: 25741868, with internal and published modifications).

NM_001370.2(DNAH6):c.10233C>G (p.Pro3411=)

Gene: DNAH6 (dynein axonemal heavy chain 6; plus strand). Cytogenetic location: 2p11.2.
Variant type: single nucleotide variant.
Coding change: c.10233C>G on transcript NM_001370.2 (MANE Select); coding-DNA position 10233, C replaced by G.
Protein change: p.Pro3411=; no amino-acid change (proline 3411 retained).
Molecular consequence: synonymous variant.
Genome position (GRCh38, 1-based): chr2:84,733,470, C>G. VCF-style: chr2-84733470-C-G. GRCh37 (hg19) VCF-style: chr2-84960594-C-G.
Identifiers: ClinVar variation 402747 (VCV000402747.33), dbSNP rs72832550, ClinGen allele CA1737680.